The following is an entry in ClinVar:

NM_000158.4(GBE1):c.1970A>G (p.Tyr657Cys)

Gene: GBE1 (1,4-alpha-glucan branching enzyme 1; minus strand). Cytogenetic location: 3p12.2.
Variant type: single nucleotide variant.
Coding change: c.1970A>G on transcript NM_000158.4 (MANE Select); coding-DNA position 1970, A replaced by G.
Protein change: p.Tyr657Cys; replaces tyrosine 657 with cysteine.
Molecular consequence: missense variant.
Genome position (GRCh38, 1-based): chr3:81,499,192, T>C on the plus strand (A>G on the coding strand, the complement: GBE1 is on the minus strand). VCF-style: chr3-81499192-T-C. GRCh37 (hg19) VCF-style: chr3-81548343-T-C.
Other names: short protein forms Y657C.
Identifiers: ClinVar variation 2059067 (VCV002059067.5), dbSNP rs775419147, ClinGen allele CA2499501.

ClinVar aggregate classification (germline): Uncertain significance. Review status: criteria provided, multiple submitters, no conflicts (2 of 4 stars). 2 submissions from 2 submitters: Uncertain significance (2). Last evaluated 2025-06-13.

Conditions:
Glycogen storage disease IV, classic hepatic. Also called: GSD IV, CLASSIC HEPATIC. Identifiers: MedGen C1856301.
Glycogen storage disease, type IV (GSD4). Also called: CIRRHOSIS, FAMILIAL, WITH DEPOSITION OF ABNORMAL GLYCOGEN; GBE1 DEFICIENCY; GLYCOGEN BRANCHING ENZYME DEFICIENCY; GLYCOGENOSIS IV; GSD IV; Glycogen storage disease due to glycogen branching enzyme deficiency. Identifiers: Orphanet 367, MedGen C0017923, MONDO:0009292, OMIM 232500.

Allele frequency attached by ClinVar (database versions not stated): TOPMed 0.00005; gnomAD 0.00007; ExAC 0.00010; gnomAD exomes 0.00010.

Submissions (2):

Victorian Clinical Genetics Services, Murdoch Childrens Research Institute
Classification: Uncertain significance for Glycogen storage disease, type IV. Last evaluated: 2025-06-13. Review status: criteria provided, single submitter. Criteria: ACMG Guidelines, 2015. Collection method: clinical testing. Allele origin: germline.
Comment: This variant is classified as VUS-3B. Evidence in support of pathogenic classification: Variant is present in gnomAD <0.01 for a recessive condition (v4: 157 heterozygote(s), 0 homozygote(s)); Missense variant predicted to be damaging by in silico tool(s) or highly conserved with a major amino acid change. Additional information: Variant is predicted to result in a missense amino acid change from tyrosine to cysteine; This variant is heterozygous; This gene is associated with autosomal recessive disease; Previous evidence of pathogenicity for this variant is inconclusive. This variant has been classified once as a VUS by a clinical laboratory in ClinVar; No published segregation evidence has been identified for this variant; No published functional evidence has been identified for this variant; No comparable missense variants have previous evidence for pathogenicity; Variant is located in the annotated alpha amylase, C-terminal all-beta domain (DECIPHER); Loss of function is a known mechanism of disease in this gene and is associated with glycogen storage disease due to glycogen branching enzyme deficiency (MONDO:0009292), GBE1-related.

Labcorp Genetics (formerly Invitae), Labcorp
Classification: Uncertain significance for Glycogen storage disease, type IV; Glycogen storage disease IV, classic hepatic. Last evaluated: 2025-05-22. Review status: criteria provided, single submitter. Criteria: Invitae Variant Classification Sherloc (09022015). Collection method: clinical testing. Allele origin: germline.
Comment: This sequence change replaces tyrosine, which is neutral and polar, with cysteine, which is neutral and slightly polar, at codon 657 of the GBE1 protein (p.Tyr657Cys). This variant is present in population databases (rs775419147, gnomAD 0.02%). This variant has not been reported in the literature in individuals affected with GBE1-related conditions. ClinVar contains an entry for this variant (Variation ID: 2059067). Invitae Evidence Modeling of protein sequence and biophysical properties (such as structural, functional, and spatial information, amino acid conservation, physicochemical variation, residue mobility, and thermodynamic stability) has been performed for this missense variant. However, the output from this modeling did not meet the statistical confidence thresholds required to predict the impact of this variant on GBE1 protein function. In summary, the available evidence is currently insufficient to determine the role of this variant in disease. Therefore, it has been classified as a Variant of Uncertain Significance.